The following is an entry in ClinVar:

ClinVar aggregate classification (germline): Uncertain significance. Review status: criteria provided, multiple submitters, no conflicts (2 of 4 stars). 2 submissions from 2 submitters: Uncertain significance (2). Last evaluated 2025-08-01.

Conditions:
Inborn genetic diseases. Identifiers: MedGen C0950123, MeSH D030342.
Psoriasis 2. Identifiers: MedGen C1864497, MONDO:0011269, OMIM 602723.
Pityriasis rubra pilaris (PRP). Also called: Pityriasis rubra pilaris--familial type. Identifiers: Orphanet 2897, MedGen C0032027, MONDO:0100017, OMIM 173200, MONDO:0008251.

Allele frequency attached by ClinVar (database versions not stated): ExAC 0.00001; gnomAD 0.00001 and 0.00002; gnomAD exomes 0.00001 and 0.00002; TOPMed 0.00002.
gnomAD v4.1: 34 of 1,613,640 alleles (0.0021%); highest among the groups gnomAD compares: Non-Finnish European, 0.0027%; no homozygotes.

Submissions (2):

Ambry Genetics
Classification: Uncertain significance for Inborn genetic diseases. Last evaluated: 2025-08-01. Review status: criteria provided, single submitter. Criteria: Ambry Variant Classification Scheme 2023. Collection method: clinical testing. Allele origin: germline.

Labcorp Genetics (formerly Invitae), Labcorp
Classification: Uncertain significance for Pityriasis rubra pilaris; Psoriasis 2. Last evaluated: 2025-05-12. Review status: criteria provided, single submitter. Criteria: Invitae Variant Classification Sherloc (09022015). Collection method: clinical testing. Allele origin: germline.
Comment: This sequence change replaces valine, which is neutral and non-polar, with leucine, which is neutral and non-polar, at codon 654 of the CARD14 protein (p.Val654Leu). This variant is present in population databases (rs778539318, gnomAD 0.003%). This variant has not been reported in the literature in individuals affected with CARD14-related conditions. ClinVar contains an entry for this variant (Variation ID: 999073). Invitae Evidence Modeling of protein sequence and biophysical properties (such as structural, functional, and spatial information, amino acid conservation, physicochemical variation, residue mobility, and thermodynamic stability) indicates that this missense variant is not expected to disrupt CARD14 protein function with a negative predictive value of 95%. In summary, the available evidence is currently insufficient to determine the role of this variant in disease. Therefore, it has been classified as a Variant of Uncertain Significance.

NM_001366385.1(CARD14):c.1960G>C (p.Val654Leu)

Genes: SGSH (N-sulfoglucosamine sulfohydrolase; minus strand), CARD14 (caspase recruitment domain family member 14; plus strand). Cytogenetic location: 17q25.3.
Variant type: single nucleotide variant.
Coding change: c.1960G>C on transcript NM_001366385.1 (MANE Select); coding-DNA position 1960, G replaced by C.
Protein change: p.Val654Leu; replaces valine 654 with leucine.
Molecular consequence: missense variant. On other transcripts: non-coding transcript variant (1).
Genome position (GRCh38, 1-based): chr17:80,201,852, G>C. VCF-style: chr17-80201852-G-C. GRCh37 (hg19) VCF-style: chr17-78175651-G-C.
Other names: c.1960G>C, p.Val654Leu (NM_001257970.1, NM_024110.4); c.1960G>C (NM_024110.3); short protein forms V654L.
Identifiers: ClinVar variation 999073 (VCV000999073.10), dbSNP rs778539318, ClinGen allele CA8817124.